The following is an entry in ClinVar:

ClinVar aggregate classification (germline): Uncertain significance (1 of 4 stars; one submission).

Conditions:
EGFR-related lung cancer (EGFR). Identifiers: MedGen CN130014.

Submission:

Labcorp Genetics (formerly Invitae), Labcorp
Classification: Uncertain significance for EGFR-related lung cancer. Last evaluated: 2024-02-15. Review status: criteria provided, single submitter. Criteria: Invitae Variant Classification Sherloc (09022015). Collection method: clinical testing. Allele origin: germline.
Comment: This sequence change replaces phenylalanine, which is neutral and non-polar, with cysteine, which is neutral and slightly polar, at codon 1023 of the EGFR protein (p.Phe1023Cys). This variant is not present in population databases (gnomAD no frequency). This variant has not been reported in the literature in individuals affected with EGFR-related conditions. An algorithm developed to predict the effect of missense changes on protein structure and function (PolyPhen-2) suggests that this variant is likely to be disruptive. In summary, the available evidence is currently insufficient to determine the role of this variant in disease. Therefore, it has been classified as a Variant of Uncertain Significance.

NM_005228.5(EGFR):c.3068T>G (p.Phe1023Cys)

Gene: EGFR (epidermal growth factor receptor; plus strand). Cytogenetic location: 7p11.2.
Variant type: single nucleotide variant.
Coding change: c.3068T>G on transcript NM_005228.5 (MANE Select); coding-DNA position 3068, T replaced by G.
Protein change: p.Phe1023Cys; replaces phenylalanine 1023 with cysteine.
Molecular consequence: missense variant.
Genome position (GRCh38, 1-based): chr7:55,201,309, T>G. VCF-style: chr7-55201309-T-G. GRCh37 (hg19) VCF-style: chr7-55269002-T-G.
Other names: c.2933T>G, p.Phe978Cys (NM_001346897.2, NM_001346899.2); c.3068T>G, p.Phe1023Cys (NM_001346898.2); c.2909T>G, p.Phe970Cys (NM_001346900.2); c.2267T>G, p.Phe756Cys (NM_001346941.2); short protein forms F1023C, F970C, F978C, F756C.
Identifiers: ClinVar variation 3641027 (VCV003641027.2).
Genomic context (GRCh38, chr7:55,201,309, plus strand): 5'-ATGAAGAAGACATGGACGACGTGGTGGATGCCGACGAGTACCTCATCCCACAGCAGGGCT[T>G]CTTCAGCAGCCCCTCCACGTCACGGACTCCCCTCCTGAGCTCTCTGGTATGAAATCTCTG-3'
Protein context (NP_005219.2, residues 1013-1033): ADEYLIPQQG[Phe1023Cys]FSSPSTSRTP